The following is an entry in ClinVar:

NM_001365951.3(KIF1B):c.3916C>T (p.Leu1306Phe)

Gene: KIF1B (kinesin family member 1B; plus strand). Cytogenetic location: 1p36.22.
Variant type: single nucleotide variant.
Coding change: c.3916C>T on transcript NM_001365951.3 (MANE Select); coding-DNA position 3916, C replaced by T.
Protein change: p.Leu1306Phe; replaces leucine 1306 with phenylalanine.
Molecular consequence: missense variant.
Genome position (GRCh38, 1-based): chr1:10,348,700, C>T. VCF-style: chr1-10348700-C-T. GRCh37 (hg19) VCF-style: chr1-10408758-C-T.
Other names: c.3916C>T, p.Leu1306Phe (NM_001365952.1); c.3778C>T, p.Leu1260Phe (NM_015074.3); short protein forms L1260F, L1306F.
Identifiers: ClinVar variation 2043540 (VCV002043540.7), dbSNP rs1652678123, ClinGen allele CA338343711.

ClinVar aggregate classification (germline): Uncertain significance. Review status: criteria provided, multiple submitters, no conflicts (2 of 4 stars). 2 submissions from 2 submitters: Uncertain significance (2). Last evaluated 2025-07-05.

Conditions:
Charcot-Marie-Tooth disease type 2. Also called: Charcot-Marie-Tooth type 2. Identifiers: Orphanet 64746, MedGen C0270914, MONDO:0018993.

Allele frequency attached by ClinVar (database versions not stated): TOPMed below 0.00001.

Submissions (2):

Ambry Genetics
Classification: Uncertain significance. Last evaluated: 2025-07-05. Review status: criteria provided, single submitter. Criteria: Ambry Variant Classification Scheme 2023. Collection method: clinical testing. Allele origin: germline.
Comment: The p.L1260F variant (also known as c.3778C>T), located in coding exon 34 of the KIF1B gene, results from a C to T substitution at nucleotide position 3778. The leucine at codon 1260 is replaced by phenylalanine, an amino acid with highly similar properties. This amino acid position is conserved. In addition, the in silico prediction for this alteration is inconclusive. Since supporting evidence is limited at this time, the clinical significance of this alteration remains unclear.

Labcorp Genetics (formerly Invitae), Labcorp
Classification: Uncertain significance for Charcot-Marie-Tooth disease type 2. Last evaluated: 2024-04-10. Review status: criteria provided, single submitter. Criteria: Invitae Variant Classification Sherloc (09022015). Collection method: clinical testing. Allele origin: germline.
Comment: This sequence change replaces leucine, which is neutral and non-polar, with phenylalanine, which is neutral and non-polar, at codon 1260 of the KIF1B protein (p.Leu1260Phe). This variant is not present in population databases (gnomAD no frequency). This variant has not been reported in the literature in individuals affected with KIF1B-related conditions. ClinVar contains an entry for this variant (Variation ID: 2043540). An algorithm developed to predict the effect of missense changes on protein structure and function (PolyPhen-2) suggests that this variant is likely to be disruptive. In summary, the available evidence is currently insufficient to determine the role of this variant in disease. Therefore, it has been classified as a Variant of Uncertain Significance.